The following is an entry in ClinVar:

NM_001204.7(BMPR2):c.2538G>A (p.Met846Ile)

Gene: BMPR2 (bone morphogenetic protein receptor type 2; plus strand). Cytogenetic location: 2q33.2.
Variant type: single nucleotide variant.
Coding change: c.2538G>A on transcript NM_001204.7 (MANE Select); coding-DNA position 2538, G replaced by A.
Protein change: p.Met846Ile; replaces methionine 846 with isoleucine.
Molecular consequence: missense variant.
Genome position (GRCh38, 1-based): chr2:202,556,203, G>A. VCF-style: chr2-202556203-G-A. GRCh37 (hg19) VCF-style: chr2-203420926-G-A.
Other names: short protein forms M846I.
Identifiers: ClinVar variation 4214412 (VCV004214412.1).

ClinVar aggregate classification (germline): Uncertain significance (1 of 4 stars; one submission).

Conditions:
Inborn genetic diseases. Identifiers: MedGen C0950123, MeSH D030342.

gnomAD v4.1: 1 of 1,610,900 alleles (0.000062%); no homozygotes.

Submission:

Ambry Genetics
Classification: Uncertain significance for Inborn genetic diseases. Last evaluated: 2025-06-22. Review status: criteria provided, single submitter. Criteria: Ambry Variant Classification Scheme 2023. Collection method: clinical testing. Allele origin: germline.
Comment: The p.M846I variant (also known as c.2538G>A), located in coding exon 12 of the BMPR2 gene, results from a G to A substitution at nucleotide position 2538. The methionine at codon 846 is replaced by isoleucine, an amino acid with highly similar properties. This amino acid position is conserved. In addition, the in silico prediction for this alteration is inconclusive. Based on the available evidence, the clinical significance of this variant remains unclear.